The following is an entry in ClinVar:

NM_000057.4(BLM):c.3020-4_3020-3del

Gene: BLM (BLM RecQ like helicase; plus strand). Cytogenetic location: 15q26.1.
Variant type: Deletion.
Coding change: c.3020-4_3020-3del on transcript NM_000057.4 (MANE Select); 4 bases into the intron before coding-DNA position 3020 through 3 bases into the intron before coding-DNA position 3020, 2 bases deleted (TT; older notation c.3020-4_3020-3delTT).
Molecular consequence: intron variant.
Genome position (GRCh38, 1-based): chr15:90,794,163-90,794,164, TT deleted; deleting any 2 consecutive bases within chr15:90,794,161-90,794,164 gives the same sequence; the c. name uses the placement nearest the transcript's 3' end. VCF-style (leftmost placement, unchanged base first): chr15-90794160-CTT-C. GRCh37 (hg19) VCF-style: chr15-91337390-CTT-C.
Other names: c.3020-4_3020-3del (NM_001287246.2, NM_001287247.2); c.1895-4_1895-3del (NM_001287248.2).
Identifiers: ClinVar variation 822599 (VCV000822599.8), dbSNP rs1596259793, ClinGen allele CA915946138.
Genomic context (GRCh38, chr15:90,794,160, plus strand): 5'-ATATTTCTATGATATGCTCTATTTTTCCCCTATAAGTATGTCTTACTATAGTCTTCATCT[CTT>C]TTAGTGGAAAAAGATGGAAACCATCATACAAGAGAAACTCACTTCAATAATTTGTATAGC-3'

ClinVar aggregate classification (germline): Uncertain significance. Review status: criteria provided, multiple submitters, no conflicts (2 of 4 stars). 2 submissions from 2 submitters: Uncertain significance (2). Last evaluated 2026-02-17.

Conditions:
Hereditary cancer-predisposing syndrome. Also called: Tumor predisposition; Neoplastic Syndromes, Hereditary; Hereditary Cancer Syndrome; Hereditary neoplastic syndrome. Identifiers: Orphanet 140162, MedGen C0027672, MeSH D009386, MONDO:0015356.
Bloom syndrome (BLM). Also called: Bloom-Torre-Machacek syndrome. Identifiers: Orphanet 125, MedGen C0005859, MONDO:0008876, OMIM 210900.

Submissions (2):

Ambry Genetics
Classification: Uncertain significance for Hereditary cancer-predisposing syndrome. Last evaluated: 2026-02-17. Review status: criteria provided, single submitter. Criteria: Ambry Variant Classification Scheme 2023. Collection method: clinical testing. Allele origin: germline.
Comment: The c.3020-4_3020-3delTT intronic variant, located in intron 14 of the BLM gene, results from a deletion of two nuclotides (TT) upstream from coding exon 15 of the BLM gene. This nucleotide region is not well conserved in available vertebrate species. In silico splice site analysis predicts that this alteration may weaken the native splice acceptor site. Since supporting evidence is limited at this time, the clinical significance of this alteration remains unclear.

Labcorp Genetics (formerly Invitae), Labcorp
Classification: Uncertain significance for Bloom syndrome. Last evaluated: 2025-03-04. Review status: criteria provided, single submitter. Criteria: Invitae Variant Classification Sherloc (09022015). Collection method: clinical testing. Allele origin: germline.
Comment: This sequence change falls in intron 15 of the BLM gene. It does not directly change the encoded amino acid sequence of the BLM protein. This variant is not present in population databases (gnomAD no frequency). This variant has not been reported in the literature in individuals affected with BLM-related conditions. ClinVar contains an entry for this variant (Variation ID: 822599). Algorithms developed to predict the effect of sequence changes on RNA splicing suggest that this variant may disrupt the consensus splice site. In summary, the available evidence is currently insufficient to determine the role of this variant in disease. Therefore, it has been classified as a Variant of Uncertain Significance.